The following is an entry in ClinVar:

ClinVar aggregate classification (germline): Likely benign (1 of 4 stars; one submission).

gnomAD v4.1: 109 of 1,613,982 alleles (0.0068%); highest among the groups gnomAD compares: Non-Finnish European, 0.0076%; no homozygotes.

Submission:

CeGaT Center for Human Genetics Tuebingen
Classification: Likely benign. Last evaluated: 2026-01-01. Review status: criteria provided, single submitter. Criteria: CeGaT Center For Human Genetics Tuebingen Variant Classification Criteria Version 2. Collection method: clinical testing. Allele origin: germline. Affected: yes. Observed: 1 variant allele.
Comment: ETS1: BP4, BP7

NM_001143820.2(ETS1):c.720C>T (p.Leu240=)

Gene: ETS1 (ETS proto-oncogene 1, transcription factor; minus strand). Cytogenetic location: 11q24.3.
Variant type: single nucleotide variant.
Coding change: c.720C>T on transcript NM_001143820.2 (MANE Select); coding-DNA position 720, C replaced by T.
Protein change: p.Leu240=; no amino-acid change (leucine 240 retained).
Molecular consequence: synonymous variant. On other transcripts: intron variant (1).
Genome position (GRCh38, 1-based): chr11:128,484,965, G>A on the plus strand (C>T on the coding strand, the complement: ETS1 is on the minus strand). VCF-style: chr11-128484965-G-A. GRCh37 (hg19) VCF-style: chr11-128354860-G-A.
Other names: c.588C>T, p.Leu196= (NM_001330451.2, NM_005238.4); c.83-4514C>T (NM_001162422.2).
Identifiers: ClinVar variation 4821985 (VCV004821985.4).